The following is an entry in ClinVar:

NM_000088.4(COL1A1):c.4009G>A (p.Glu1337Lys)

Gene: COL1A1 (collagen type I alpha 1 chain; minus strand). Cytogenetic location: 17q21.33.
Variant type: single nucleotide variant.
Coding change: c.4009G>A on transcript NM_000088.4 (MANE Select); coding-DNA position 4009, G replaced by A.
Protein change: p.Glu1337Lys; replaces glutamic acid 1337 with lysine.
Molecular consequence: missense variant.
Genome position (GRCh38, 1-based): chr17:50,186,017, C>T on the plus strand (G>A on the coding strand, the complement: COL1A1 is on the minus strand). VCF-style: chr17-50186017-C-T. GRCh37 (hg19) VCF-style: chr17-48263378-C-T.
Other names: c.4009G>A (NM_000088.3); short protein forms E1337K.
Identifiers: ClinVar variation 1518807 (VCV001518807.9), dbSNP rs760040029, ClinGen allele CA8644274.
Genomic context (GRCh38, chr17:50,186,017, plus strand): 5'-GGCGCAGGAAGGTCAGCTGGATGGCCACATCGGCAGGGTCGGAGCCCTGGCCGCCATACT[C>T]GAACTGCAGGGGAGGGGAGAGAGGGAAGAGTGAGCCGCTATGCGGGAACCTCTAGTCCTG-3'
Protein context (NP_000079.2, residues 1327-1347): GESMTDGFQF[Glu1337Lys]YGGQGSDPAD

ClinVar aggregate classification (germline): Conflicting classifications of pathogenicity. Review status: criteria provided, conflicting classifications (1 of 4 stars). 4 submissions from 4 submitters: Uncertain significance (2); Benign (1); Likely benign (1). Last evaluated 2025-09-17.

Conditions:
Osteogenesis imperfecta type I (OI1). Also called: Lobstein's Disease; Osteogenesis imperfecta type 1; Classic Non-deforming Osteogenesis Imperfecta with Blue Sclerae; Lobstein disease; OI, TYPE I; OSTEOGENESIS IMPERFECTA TARDA. Identifiers: Orphanet 216796, Orphanet 666, MedGen C0023931, MONDO:0008146, OMIM 166200. Disease mechanism: loss of function.

Allele frequency attached by ClinVar (database versions not stated): TOPMed 0.00001; ExAC 0.00002; gnomAD exomes 0.00003; gnomAD 0.00004 and 0.00005.
gnomAD v4.1: 46 of 1,613,010 alleles (0.0029%); highest among the groups gnomAD compares: South Asian, 0.013%; no homozygotes.

Submissions (4):

Women's Health and Genetics/Laboratory Corporation of America, LabCorp
Classification: Uncertain significance. Last evaluated: 2025-09-17. Review status: criteria provided, single submitter. Criteria: LabCorp Variant Classification Summary - May 2015. Collection method: clinical testing. Allele origin: germline.
Comment: Variant summary: COL1A1 c.4009G>A (p.Glu1337Lys) results in a conservative amino acid change in the encoded protein sequence. Algorithms developed to predict the effect of missense changes on protein structure and function are either unavailable or do not agree on the potential impact of this missense change. The variant allele was found at a frequency of 2.8e-05 in 248868 control chromosomes. The available data on variant occurrences in the general population are insufficient to allow any conclusion about variant significance. c.4009G>A has been observed in at least one individual affected with Osteogenesis imperfecta type I (e.g. Lindahl_2015). These report(s) do not provide unequivocal conclusions about association of the variant with Osteogenesis imperfecta type I. To our knowledge, no experimental evidence demonstrating an impact on protein function has been reported. The following publication has been ascertained in the context of this evaluation (PMID: 25944380). ClinVar contains an entry for this variant (Variation ID: 1518807). Based on the evidence outlined above, the variant was classified as uncertain significance.

Labcorp Genetics (formerly Invitae), Labcorp
Classification: Benign for Osteogenesis imperfecta type I. Last evaluated: 2025-09-03. Review status: criteria provided, single submitter. Criteria: Invitae Variant Classification Sherloc (09022015). Collection method: clinical testing. Allele origin: germline.

GeneDx
Classification: Uncertain significance. Last evaluated: 2024-07-26. Review status: criteria provided, single submitter. Criteria: GeneDx Variant Classification Process June 2021. Collection method: clinical testing. Allele origin: germline. Affected: yes.
Comment: In silico analysis indicates that this missense variant does not alter protein structure/function; Not located in the triple helical region, where the majority of pathogenic missense variants occur (HGMD); This variant is associated with the following publications: (PMID: 25944380)

Blueprint Genetics
Classification: Likely benign. Last evaluated: 2024-03-05. Review status: criteria provided, single submitter. Criteria: ACMG Guidelines, 2015. Collection method: clinical testing. Allele origin: germline.

Literature cited by the submitters: PubMed 25944380 (cited by Women's Health and Genetics/Laboratory Corporation of America, LabCorp).